The following is an entry in ClinVar:

NM_000901.5(NR3C2):c.*412C>T

Gene: NR3C2 (nuclear receptor subfamily 3 group C member 2; minus strand). Cytogenetic location: 4q31.23.
Variant type: single nucleotide variant.
Coding change: c.*412C>T on transcript NM_000901.5 (MANE Select); 412 bases downstream of the stop codon, C replaced by T.
Molecular consequence: 3 prime UTR variant. On other transcripts: non-coding transcript variant (1).
Genome position (GRCh38, 1-based): chr4:148,080,932, G>A on the plus strand (C>T on the coding strand, the complement: NR3C2 is on the minus strand). VCF-style: chr4-148080932-G-A. GRCh37 (hg19) VCF-style: chr4-149002083-G-A.
Other names: c.*412C>T (NM_001166104.2, NM_001354819.1).
Identifiers: ClinVar variation 347713 (VCV000347713.6), dbSNP rs17024360, ClinGen allele CA10617190.

ClinVar aggregate classification (germline): Benign. Review status: criteria provided, multiple submitters, no conflicts (2 of 4 stars). 2 submissions from 2 submitters: Benign (2). Last evaluated 2018-01-12.

Conditions:
Autosomal dominant pseudohypoaldosteronism type 1. Also called: Pseudohypoaldosteronism, Type I, Autosomal Dominant; PHA I, AUTOSOMAL DOMINANT; Pseudohypoaldosteronism, Type I, Dominant. Identifiers: Orphanet 171871, Orphanet 756, MedGen C1449842, MONDO:0008329, OMIM 177735.

Allele frequency attached by ClinVar (database versions not stated): gnomAD exomes 0.00209; gnomAD 0.01562 and 0.01650; TOPMed 0.01732; 1000 Genomes Project 0.01757; 1000 Genomes Project 30x 0.01874.
gnomAD v4.1: 2,702 of 317,988 alleles (0.85%); highest among the groups gnomAD compares: African/African-American, 5.3%; 68 homozygotes.

Submissions (2):

Illumina Laboratory Services, Illumina
Classification: Benign for Autosomal dominant pseudohypoaldosteronism type 1. Last evaluated: 2018-01-12. Review status: criteria provided, single submitter. Criteria: ICSL Variant Classification Criteria 13 December 2019. Collection method: clinical testing. Allele origin: germline.
Comment: This variant was observed in the ICSL laboratory as part of a predisposition screen in an ostensibly healthy population. It had not been previously curated by ICSL or reported in the Human Gene Mutation Database (HGMD: prior to June 1st, 2018), and was therefore a candidate for classification through an automated scoring system. Utilizing variant allele frequency, disease prevalence and penetrance estimates, and inheritance mode, an automated score was calculated to assess if this variant is too frequent to cause the disease. Based on the score and internal cut-off values, a variant classified as benign is not then subjected to further curation. The score for this variant resulted in a classification of benign for this disease.

Breakthrough Genomics
Classification: Benign. Review status: criteria provided, single submitter. Criteria: ACMG Guidelines, 2015. Collection method: not provided. Allele origin: germline. Inheritance: Autosomal dominant inheritance. Affected: yes.